The following is an entry in ClinVar:

ClinVar aggregate classification (germline): Benign/Likely benign. Review status: criteria provided, multiple submitters, no conflicts (2 of 4 stars). 9 submissions from 9 submitters: Benign (3); Likely benign (5). 1 of the submissions does not count toward it. Last evaluated 2026-06-01.

Conditions:
Cardiovascular phenotype. Identifiers: MedGen CN230736.
APOB-related disorder. Also called: APOB-related disorders; APOB-related condition.
Hypercholesterolemia, autosomal dominant, type B (FHCL2). Also called: APOB-Related Familial Hypercholesterolemia, Autosomal Dominant; Familial Hypercholesterolemia Type B; Familial hypercholesterolemia 2; Hyperlipoproteinemia Type IIb; APOLIPOPROTEIN B-100, FAMILIAL DEFECTIVE; APOLIPOPROTEIN B-100, FAMILIAL LIGAND-DEFECTIVE. Identifiers: MedGen C1704417, MONDO:0007751, OMIM 144010.
Familial hypobetalipoproteinemia 1. Also called: APOB-Related Familial Hypobetalipoproteinemia; Hypobetalipoproteinemia, normotriglyceridemic; Acanthocytosis with hypobetalipoproteinemia. Identifiers: MedGen C4551990, MONDO:0014252, OMIM 615558.
Familial hypercholesterolemia. Also called: Familial hypercholesterolaemia; Familial hypercholesterolemias. Identifiers: MedGen C0020445, MONDO:0005439.

Allele frequency attached by ClinVar (database versions not stated): gnomAD exomes 0.00044; ExAC 0.00051; gnomAD 0.00131 and 0.00136; TOPMed 0.00148; ESP Exome Variant Server 0.00185; 1000 Genomes Project 0.00200; 1000 Genomes Project 30x 0.00234.
gnomAD v4.1: 383 of 1,613,220 alleles (0.024%); highest among the groups gnomAD compares: African/African-American, 0.41%; no homozygotes.

Submissions (9):

CeGaT Center for Human Genetics Tuebingen
Classification: Likely benign. Last evaluated: 2026-06-01. Review status: criteria provided, single submitter. Criteria: CeGaT Center For Human Genetics Tuebingen Variant Classification Criteria Version 2. Collection method: clinical testing. Allele origin: germline. Affected: yes. Observed: 1 variant allele.
Comment: APOB: BP4, BP7

Labcorp Genetics (formerly Invitae), Labcorp
Classification: Benign for Familial hypobetalipoproteinemia 1; Hypercholesterolemia, autosomal dominant, type B. Last evaluated: 2026-01-15. Review status: criteria provided, single submitter. Criteria: Invitae Variant Classification Sherloc (09022015). Collection method: clinical testing. Allele origin: germline.

Quest Diagnostics Nichols Institute San Juan Capistrano
Classification: Benign. Last evaluated: 2025-05-27. Review status: criteria provided, single submitter. Criteria: Quest Diagnostics criteria. Collection method: clinical testing. Allele origin: unknown.

Molecular Diagnostic Laboratory for Inherited Cardiovascular Disease, Montreal Heart Institute
Classification: Benign. Last evaluated: 2025-04-09. Review status: criteria provided, single submitter. Criteria: ACMG Guidelines, 2015. Collection method: clinical testing. Allele origin: germline. Affected: no.

GENinCode PLC
Classification: Likely benign for Familial hypercholesterolemia. Last evaluated: 2025-01-09. Review status: criteria provided, single submitter. Criteria: ACMG Guidelines, 2015. Collection method: clinical testing. Allele origin: germline.
Comment: This is a synonymous (silent) variant that is not predicted to impact splicing and occurs at a nucleotide which is not highly conserved. In addition, it has a PopMax FAF which is greater than expected for this disorder. This variant has been classified as Likely Benign (BS1, BP4, BP7).

Blueprint Genetics
Classification: Likely benign. Last evaluated: 2024-08-30. Review status: criteria provided, single submitter. Criteria: ACMG Guidelines, 2015. Collection method: clinical testing. Allele origin: germline.

GeneDx
Classification: Likely benign. Last evaluated: 2021-05-18. Review status: criteria provided, single submitter. Criteria: GeneDx Variant Classification Process June 2021. Collection method: clinical testing. Allele origin: germline. Affected: yes.

Ambry Genetics
Classification: Likely benign for Cardiovascular phenotype. Last evaluated: 2019-03-20. Review status: criteria provided, single submitter. Criteria: Ambry Variant Classification Scheme 2023. Collection method: clinical testing. Allele origin: germline.

PreventionGenetics, part of Exact Sciences
Classification: Likely benign for APOB-related condition. Last evaluated: 2021-11-13. Review status: no assertion criteria provided. Collection method: clinical testing. Allele origin: germline. Not counted in ClinVar's aggregate classification.
Comment: This variant is classified as likely benign based on ACMG/AMP sequence variant interpretation guidelines (Richards et al. 2015 PMID: 25741868, with internal and published modifications).

Literature cited by the submitters: PubMed 29572815 (cited by Quest Diagnostics Nichols Institute San Juan Capistrano and Ambry Genetics).

NM_000384.3(APOB):c.12699G>A (p.Ser4233=)

Gene: APOB (apolipoprotein B; minus strand). Cytogenetic location: 2p24.1.
Variant type: single nucleotide variant.
Coding change: c.12699G>A on transcript NM_000384.3 (MANE Select); coding-DNA position 12699, G replaced by A.
Protein change: p.Ser4233=; no amino-acid change (serine 4233 retained).
Molecular consequence: synonymous variant.
Genome position (GRCh38, 1-based): chr2:21,002,723, C>T on the plus strand (G>A on the coding strand, the complement: APOB is on the minus strand). VCF-style: chr2-21002723-C-T. GRCh37 (hg19) VCF-style: chr2-21225595-C-T.
Identifiers: ClinVar variation 477799 (VCV000477799.31), dbSNP rs56675344, ClinGen allele CA050922.